The following is an entry in ClinVar:

NM_001040142.2(SCN2A):c.3043G>A (p.Asp1015Asn)

Gene: SCN2A (sodium voltage-gated channel alpha subunit 2; plus strand). Cytogenetic location: 2q24.3.
Variant type: single nucleotide variant.
Coding change: c.3043G>A on transcript NM_001040142.2 (MANE Select); coding-DNA position 3043, G replaced by A.
Protein change: p.Asp1015Asn; replaces aspartic acid 1015 with asparagine.
Molecular consequence: missense variant.
Genome position (GRCh38, 1-based): chr2:165,354,315, G>A. VCF-style: chr2-165354315-G-A. GRCh37 (hg19) VCF-style: chr2-166210825-G-A.
Other names: NM_001040142.2(SCN2A):c.3043G>A; p.Asp1015Asn; c.3043G>A, p.Asp1015Asn (NM_001040143.2, NM_001371246.1, NM_001371247.1 and 1 more transcripts); short protein forms D1015N.
Identifiers: ClinVar variation 331730 (VCV000331730.23), dbSNP rs747451714, ClinGen allele CA10612411.
Genomic context (GRCh38, chr2:165,354,315, plus strand): 5'-GATGATGATAACGAAATGAATAATCTCCAGATTGCTGTGGGAAGGATGCAGAAAGGAATC[G>A]ATTTTGTTAAAAGAAAAATACGTGAATTTATTCAGAAAGCCTTTGTTAGGAAGCAGAAAG-3'
Protein context (NP_001035232.1, residues 1005-1025): IAVGRMQKGI[Asp1015Asn]FVKRKIREFI

ClinVar aggregate classification (germline): Likely benign. Review status: reviewed by expert panel (3 of 4 stars). 6 submissions from 6 submitters: Likely benign (1). 5 of the submissions do not count toward it. Last evaluated 2024-11-26.

Conditions:
Complex neurodevelopmental disorder. Identifiers: Orphanet 528084, MedGen C5568766, MONDO:0100038.
Seizures, benign familial infantile, 3 (BFIS3). Also called: CONVULSIONS, BENIGN FAMILIAL INFANTILE, 3; Familial neonatal seizures. Identifiers: Orphanet 140927, Orphanet 306, MedGen C1843140, MONDO:0011904, OMIM 607745.
Developmental and epileptic encephalopathy, 11 (DEE11). Also called: Early infantile epileptic encephalopathy 11. Identifiers: Orphanet 1934, MedGen C3150987, MONDO:0013388, OMIM 613721.
Febrile seizure (within the age range of 3 months to 6 years). Also called: Febrile seizures; Febrile seizure; febrile convulsion. Identifiers: MedGen C0009952, HP:0002373.

Allele frequency attached by ClinVar (database versions not stated): TOPMed below 0.00001.

Submissions (6):

ClinGen Epilepsy Sodium Channel Variant Curation Expert Panel, Clingen
Classification: Likely benign for Complex neurodevelopmental disorder. Last evaluated: 2024-11-26. Review status: reviewed by expert panel. Criteria: ClinGen EpilepsySCN ACMG Specifications SCN2A V1.0.0. Collection method: curation. Allele origin: germline. Inheritance: Autosomal dominant inheritance.
Comment: The NM_001040142.2:c.3043G>A variant in SCN2A is a missense variant predicted to cause substitution of Aspartic Acid by Asparagine at amino acid 1015 (p.Asp1015Asn). This variant has been reported in one proband meeting phenotypic criteria for Complex Neurodevelopmental Disorder (MONDO:0100038) (PS4_Supporting; PMID 30564305); however, this variant was inherited from a parent whose affected status is unknown. This variant was also found to occur de novo in one proband meeting criteria for Complex Neurodevelopmental Disorder (MONDO:0100038) with unconfirmed parental relationships (PM6_Supporting; PMID 35431799). The minor allele frequency in the European (non-Finnish) genetic ancestry group in gnomAD v4.1.0 is 0.000006780 (0.0007%, or 8/1179964 alleles), which is higher than the ClinGen Epilepsy Sodium Channel threshold (>0.0002%) for BS1, and therefore meets this criterion (BS1). The computational predictor REVEL gives a score of 0.287, which is below the threshold of 0.290, evidence that does not predict a damaging effect on SCN2A function (BP4). In summary, this variant meets the criteria to be classified as likely benign for autosomal dominant Complex Neurodevelopmental Disorder. Although there are both pathogenic and benign types of evidence for this variant, the pathogenic evidence is not considered inconsistent with the final classification. ACMG/AMP criteria applied, as specified by the ClinGen Epilepsy Sodium Channel VCEP: PS4_Supporting, PM6_Supporting, BP4, BS1. (Epilepsy Sodium Channel VCEP Specifications version 1.0.0; Approved 1/26/2024).

Labcorp Genetics (formerly Invitae), Labcorp
Classification: Likely benign for Seizures, benign familial infantile, 3; Developmental and epileptic encephalopathy, 11. Last evaluated: 2025-08-03. Review status: criteria provided, single submitter. Criteria: Invitae Variant Classification Sherloc (09022015). Collection method: clinical testing. Allele origin: germline. Not counted in ClinVar's aggregate classification.

Servicio de Genética Del Instituto Nacional de Salud Del Niño, Ministerio de Salud
Classification: Uncertain significance for Developmental and epileptic encephalopathy, 11. Last evaluated: 2024-11-18. Review status: criteria provided, single submitter. Criteria: ACMG Guidelines, 2015. Collection method: clinical testing. Allele origin: germline. Inheritance: Autosomal dominant inheritance. Not counted in ClinVar's aggregate classification.
Comment: The variant NM_001040142.2:c.3043G>A, p.Asp1015Asn is a missense mutation where aspartic acid at position 1015 is replaced by asparagine. This substitution may affect the protein's function due to the change from a negatively charged amino acid to a neutral one. Based on ACMG/AMP guidelines, the variant is classified as PM2 (low frequency in population databases), suggesting it is unlikely to be a benign polymorphism. Additionally, it meets PP2 (conservation of the amino acid across species), suggesting that the substitution may have functional consequences. However, BP6 (lack of evidence for a pathogenic effect in the literature) indicates insufficient functional or clinical evidence to classify this variant as pathogenic. As a result, it is classified as uncertain significance

GeneDx
Classification: Uncertain significance. Last evaluated: 2019-05-06. Review status: criteria provided, single submitter. Criteria: GeneDx Variant Classification Process June 2021. Collection method: clinical testing. Allele origin: germline. Affected: yes. Not counted in ClinVar's aggregate classification.
Comment: Not observed at a significant frequency in large population cohorts (Lek et al., 2016); The majority of missense variants in this gene are considered pathogenic (Stenson et al., 2014); In silico analysis, which includes protein predictors and evolutionary conservation, supports that this variant does not alter protein structure/function; This substitution is predicted to be within the intracellular loop between the S6 transmemebrane segment of the second homologous domain and the S1 transmemebrane segment of the third homologous domain; This variant is associated with the following publications: (PMID: 30564305)

Illumina Laboratory Services, Illumina
Classification: Uncertain significance for Seizures, benign familial infantile, 3. Last evaluated: 2018-01-13. Review status: criteria provided, single submitter. Criteria: ICSL Variant Classification Criteria 13 December 2019. Collection method: clinical testing. Allele origin: germline. Not counted in ClinVar's aggregate classification.

Neurology Department, Shenzhen Children's Hospital
Classification: Pathogenic for Febrile seizure (within the age range of 3 months to 6 years). Last evaluated: 2022-02-16. Review status: no assertion criteria provided. Collection method: clinical testing. Allele origin: de novo. Affected: yes. Not counted in ClinVar's aggregate classification.